The following is an entry in ClinVar:

NM_001364905.1(LRBA):c.2146G>C (p.Asp716His)

Gene: LRBA (LPS responsive beige-like anchor protein; minus strand). Cytogenetic location: 4q31.3.
Variant type: single nucleotide variant.
Coding change: c.2146G>C on transcript NM_001364905.1 (MANE Select); coding-DNA position 2146, G replaced by C.
Protein change: p.Asp716His; replaces aspartic acid 716 with histidine.
Molecular consequence: missense variant.
Genome position (GRCh38, 1-based): chr4:150,893,071, C>G on the plus strand (G>C on the coding strand, the complement: LRBA is on the minus strand). VCF-style: chr4-150893071-C-G. GRCh37 (hg19) VCF-style: chr4-151814223-C-G.
Other names: c.2146G>C, p.Asp716His (NM_001199282.3, NM_001367550.1, NM_006726.5); short protein forms D716H.
Identifiers: ClinVar variation 2076908 (VCV002076908.4), dbSNP rs2546607855, ClinGen allele CA358428848.

ClinVar aggregate classification (germline): Uncertain significance (1 of 4 stars; one submission).

Conditions:
Combined immunodeficiency due to LRBA deficiency. Also called: Common variable immunodeficiency 8, with autoimmunity. Identifiers: Orphanet 445018, MedGen C3553512, MONDO:0013863, OMIM 614700.

Submission:

Labcorp Genetics (formerly Invitae), Labcorp
Classification: Uncertain significance for Combined immunodeficiency due to LRBA deficiency. Last evaluated: 2022-01-07. Review status: criteria provided, single submitter. Criteria: Invitae Variant Classification Sherloc (09022015). Collection method: clinical testing. Allele origin: germline.
Comment: In summary, the available evidence is currently insufficient to determine the role of this variant in disease. Therefore, it has been classified as a Variant of Uncertain Significance. Algorithms developed to predict the effect of missense changes on protein structure and function are either unavailable or do not agree on the potential impact of this missense change (SIFT: "Tolerated"; PolyPhen-2: "Probably Damaging"; Align-GVGD: "Class C0"). This variant has not been reported in the literature in individuals affected with LRBA-related conditions. This variant is not present in population databases (gnomAD no frequency). This sequence change replaces aspartic acid, which is acidic and polar, with histidine, which is basic and polar, at codon 716 of the LRBA protein (p.Asp716His).